The following is an entry in ClinVar:

ClinVar aggregate classification (germline): Conflicting classifications of pathogenicity. Review status: criteria provided, conflicting classifications (1 of 4 stars). 4 submissions from 4 submitters: Likely pathogenic (1); Uncertain significance (2). 1 of the submissions does not count toward it. Last evaluated 2025-09-16.

Conditions:
Retinitis pigmentosa 7, digenic. Also called: Retinitis pigmentosa 7, digenic form. Identifiers: MedGen C2675552, MONDO:1060144.
Retinitis pigmentosa 7 (RP7). Identifiers: Orphanet 791, MedGen C1842475, MONDO:0011974, OMIM 608133.

Submissions (4):

First Genomix Gene Laboratory, Genetic Diagnostics Department
Classification: Likely pathogenic for Retinitis pigmentosa 7. Last evaluated: 2025-09-16. Review status: criteria provided, single submitter. Criteria: ACMG Guidelines, 2015. Collection method: clinical testing. Allele origin: germline. Inheritance: Autosomal recessive inheritance. Affected: no. Observed: 1 variant allele.

Labcorp Genetics (formerly Invitae), Labcorp
Classification: Uncertain significance. Last evaluated: 2024-11-27. Review status: criteria provided, single submitter. Criteria: Invitae Variant Classification Sherloc (09022015). Collection method: clinical testing. Allele origin: germline.
Comment: This sequence change creates a premature translational stop signal (p.Val81Cysfs*51) in the ROM1 gene. It is expected to result in an absent or disrupted protein product. However, the current clinical and genetic evidence is not sufficient to establish whether loss-of-function variants in ROM1 cause disease. This variant is present in population databases (no rsID available, gnomAD 0.002%). This premature translational stop signal has been observed in individual(s) with retinitis pigmentosa (PMID: 8202715). This variant is also known as Gly80 (1-bp ins). ClinVar contains an entry for this variant (Variation ID: 12997). In summary, the available evidence is currently insufficient to determine the role of this variant in disease. Therefore, it has been classified as a Variant of Uncertain Significance.

Blueprint Genetics
Classification: Uncertain significance. Last evaluated: 2024-07-23. Review status: criteria provided, single submitter. Criteria: ACMG Guidelines, 2015. Collection method: clinical testing. Allele origin: germline.

OMIM
Classification: Pathogenic for RETINITIS PIGMENTOSA 7, DIGENIC. Last evaluated: 1994-06-10. Review status: no assertion criteria provided. Collection method: literature only. Allele origin: germline. Not counted in ClinVar's aggregate classification.

Literature cited by the submitters: PubMed 8202715 (cited by Labcorp Genetics (formerly Invitae), Labcorp and OMIM).

NM_000327.4(ROM1):c.239dup (p.Val81fs)

Gene: ROM1 (retinal outer segment membrane protein 1; plus strand). Cytogenetic location: 11q12.3.
Variant type: Duplication.
Coding change: c.239dup on transcript NM_000327.4 (MANE Select); coding-DNA position 239, one base duplicated (G; older notation c.239dupG).
Protein change: p.Val81fs; shifts the reading frame from valine 81.
Molecular consequence: frameshift variant.
Genome position (GRCh38, 1-based): chr11:62,613,520, G duplicated; the last of 3 consecutive G bases (chr11:62,613,518-62,613,520); duplicating any one gives the same sequence. VCF-style (leftmost placement, unchanged base first): chr11-62613517-T-TG. GRCh37 (hg19) VCF-style: chr11-62380989-T-TG.
Other names: c.239dupG (NM_000327.4); short protein forms V81fs.
Identifiers: ClinVar variation 12997 (VCV000012997.8), dbSNP rs1387102485, ClinGen allele CA475129151.